The following is an entry in ClinVar:

ClinVar aggregate classification (germline): Uncertain significance (1 of 4 stars; one submission).

Conditions:
CACNA1I-related disorder. Also called: CACNA1I-related condition.

Submission:

PreventionGenetics, part of Exact Sciences
Classification: Uncertain significance for CACNA1I-related condition. Last evaluated: 2025-03-07. Review status: criteria provided, single submitter. Criteria: ACMG Guidelines, 2015. Collection method: clinical testing. Allele origin: germline.
Comment: The CACNA1I c.4682T>G variant is predicted to result in the amino acid substitution p.Leu1561Arg. To our knowledge, this variant has not been reported in the literature or in a large population database (gnomAD), indicating this variant is rare. At this time, the clinical significance of this variant is uncertain due to the absence of conclusive functional and genetic evidence.

NM_021096.4(CACNA1I):c.4682T>G (p.Leu1561Arg)

Gene: CACNA1I (calcium voltage-gated channel subunit alpha1 I; plus strand). Cytogenetic location: 22q13.1.
Variant type: single nucleotide variant.
Coding change: c.4682T>G on transcript NM_021096.4 (MANE Select); coding-DNA position 4682, T replaced by G.
Protein change: p.Leu1561Arg; replaces leucine 1561 with arginine.
Molecular consequence: missense variant.
Genome position (GRCh38, 1-based): chr22:39,672,981, T>G. VCF-style: chr22-39672981-T-G. GRCh37 (hg19) VCF-style: chr22-40068986-T-G.
Other names: c.4577T>G, p.Leu1526Arg (NM_001003406.2); short protein forms L1561R, L1526R.
Identifiers: ClinVar variation 5001158 (VCV005001158.1).